The following is an entry in ClinVar:

NM_000535.7(PMS2):c.1874_1877delinsAGG (p.Leu625_Ala626delinsTer)

Gene: PMS2 (PMS1 homolog 2, mismatch repair system component; minus strand). Cytogenetic location: 7p22.1.
Variant type: Indel.
Coding change: c.1874_1877delinsAGG on transcript NM_000535.7 (MANE Select); coding-DNA positions 1874 to 1877, TAGC replaced by AGG.
Protein change: p.Leu625_Ala626delinsTer.
Molecular consequence: nonsense. On other transcripts: non-coding transcript variant (1).
Genome position (GRCh38, 1-based): chr7:5,986,888-5,986,891, GCTA replaced by CCT on the plus strand (TAGC replaced by AGG on the coding strand, the reverse complement: PMS2 is on the minus strand). VCF-style: chr7-5986888-GCTA-CCT. GRCh37 (hg19) VCF-style: chr7-6026519-GCTA-CCT.
Other names: c.1469_1472delinsAGG, p.Leu490_Ala491delinsTer (NM_001322003.2, NM_001322004.2, NM_001322005.2 and 1 more transcripts); c.1718_1721delinsAGG, p.Leu573_Ala574delinsTer (NM_001322006.2); c.1556_1559delinsAGG, p.Leu519_Ala520delinsTer (NM_001322007.2, NM_001322008.2); c.1313_1316delinsAGG, p.Leu438_Ala439delinsTer (NM_001322010.2); c.941_944delinsAGG, p.Leu314_Ala315delinsTer (NM_001322011.2, NM_001322012.2); c.1301_1304delinsAGG, p.Leu434_Ala435delinsTer (NM_001322013.2); c.1874_1877delinsAGG, p.Leu625_Ala626delinsTer (NM_001322014.2); c.1565_1568delinsAGG, p.Leu522_Ala523delinsTer (NM_001322015.2).
Identifiers: ClinVar variation 546052 (VCV000546052.4), dbSNP rs1554297153, ClinGen allele CA658821572.
Genomic context (GRCh38, chr7:5,986,888, plus strand): 5'-CTGTAATTCTGTTCCCCTTCACTTTGCTGTGCTTCATGATGTAACTGCTTTATTCGTTTA[GCTA>CCT]AAGAACTCATAGAAAAGTCCAGGGGCACAACTTTCTTATTAATTTTCACAGCTACATCAA-3'

ClinVar aggregate classification (germline): Pathogenic. Review status: criteria provided, multiple submitters, no conflicts (2 of 4 stars). 3 submissions from 3 submitters: Pathogenic (3). Last evaluated 2025-10-23.

Conditions:
Lynch syndrome 4 (LYNCH4). Also called: Hereditary non-polyposis colorectal cancer, type 4; Colorectal cancer, hereditary nonpolyposis, type 4. Identifiers: Orphanet 144, MedGen C1838333, MONDO:0013699, OMIM 614337. Disease mechanism: loss of function.
Hereditary cancer-predisposing syndrome. Also called: Neoplastic Syndromes, Hereditary; Hereditary Cancer Syndrome; Tumor predisposition; Hereditary neoplastic syndrome. Identifiers: Orphanet 140162, MedGen C0027672, MeSH D009386, MONDO:0015356.

Submissions (3):

Ambry Genetics
Classification: Pathogenic for Hereditary cancer-predisposing syndrome. Last evaluated: 2025-10-23. Review status: criteria provided, single submitter. Criteria: Ambry Variant Classification Scheme 2023. Collection method: clinical testing. Allele origin: germline.
Comment: The c.1874_1877delTAGCinsAGG pathogenic mutation, located in coding exon 11 of the PMS2 gene, results from the deletion of 4 nucleotides and insertion of 3 nucleotides causing a translational frameshift with a predicted alternate stop codon (p.L625*). This variant is considered to be rare based on population cohorts in the Genome Aggregation Database (gnomAD). This alteration is expected to result in loss of function by premature protein truncation or nonsense-mediated mRNA decay. As such, this alteration is interpreted as a disease-causing mutation.

Myriad Genetics, Inc.
Classification: Pathogenic for Lynch syndrome 4. Last evaluated: 2023-09-21. Review status: criteria provided, single submitter. Criteria: Myriad Autosomal Dominant, Autosomal Recessive and X-Linked Classification Criteria (2023). Collection method: clinical testing. Allele origin: unknown.
Comment: This variant is considered pathogenic. This variant creates a termination codon and is predicted to result in premature protein truncation.

GeneDx
Classification: Pathogenic. Last evaluated: 2017-06-14. Review status: criteria provided, single submitter. Criteria: GeneDx Variant Classification (06012015). Collection method: clinical testing. Allele origin: germline. Affected: yes.
Comment: This variant is denoted PMS2 c.1874_1877delTAGCinsAGG at the cDNA level and p.Leu625Ter (L625X) at the protein level. The normal sequence, with the bases that are deleted and inserted in brackets, is TCTT[delTAGC][insAGG]TAAA. The combined deletion and insertion creates a nonsense variant, which changes a Leucine to a premature stop codon. This variant is predicted to cause loss of normal protein function through either protein truncation or nonsense-mediated mRNA decay. While PMS2 c.1874_1877delTAGCinsAGG has not, to our knowledge, been reported in the literature, another variant resulting in the same protein effect PMS2 c.1874delT (L625X) has been reported in individuals with colon cancer (Goodenberger 2015, Rosty 2016, Pearlman 2017) . PMS2 c.1874_1877delTAGCinsAGG is considered pathogenic.